The following is an entry in ClinVar:

NM_007194.4(CHEK2):c.1499C>G (p.Ser500Cys)

Gene: CHEK2 (checkpoint kinase 2; minus strand). Cytogenetic location: 22q12.1.
Variant type: single nucleotide variant.
Coding change: c.1499C>G on transcript NM_007194.4 (MANE Select); coding-DNA position 1499, C replaced by G.
Protein change: p.Ser500Cys; replaces serine 500 with cysteine.
Molecular consequence: missense variant.
Genome position (GRCh38, 1-based): chr22:28,689,178, G>C on the plus strand (C>G on the coding strand, the complement: CHEK2 is on the minus strand). VCF-style: chr22-28689178-G-C. GRCh37 (hg19) VCF-style: chr22-29085166-G-C.
Other names: c.1628C>G, p.Ser543Cys (NM_001005735.3); c.836C>G, p.Ser279Cys (NM_001257387.3); c.1298C>G, p.Ser433Cys (NM_001349956.3); c.1412C>G, p.Ser471Cys (NM_145862.3); short protein forms S279C, S433C, S543C, S471C, S500C.
Identifiers: ClinVar variation 2075031 (VCV002075031.5), dbSNP rs28909981, ClinGen allele CA323000067.
Genomic context (GRCh38, chr22:28,689,178, plus strand): 5'-ATCAGGAATACGAATACCTGGGCTAGAACCTGGGGTAGAGCTGTGGATTCATTTTCCTCA[G>C]ACAGAAGATCTTGAAACTTTCTCTTCATGTCTTCATCCTGTGAGGGAATTAAAAACATAA-3'
Protein context (NP_009125.1, residues 490-510): DMKRKFQDLL[Ser500Cys]EENESTALPQ

ClinVar aggregate classification (germline): Conflicting classifications of pathogenicity. Review status: criteria provided, conflicting classifications (1 of 4 stars). 2 submissions from 2 submitters: Uncertain significance (1); Likely benign (1). Last evaluated 2024-06-11.

Conditions:
Hereditary cancer-predisposing syndrome. Also called: Hereditary Cancer Syndrome; Tumor predisposition; Hereditary neoplastic syndrome; Neoplastic Syndromes, Hereditary. Identifiers: Orphanet 140162, MedGen C0027672, MeSH D009386, MONDO:0015356.
Familial cancer of breast. Also called: BREAST CANCER, FAMILIAL; Hereditary breast cancer; hereditary breast carcinoma. Identifiers: Orphanet 227535, MedGen C0346153, MONDO:0016419, OMIM 114480. Disease mechanism: loss of function.

Allele frequency attached by ClinVar (database versions not stated): TOPMed 0.00001.

Submissions (2):

Ambry Genetics
Classification: Likely benign for Hereditary cancer-predisposing syndrome. Last evaluated: 2024-06-11. Review status: criteria provided, single submitter. Criteria: Ambry Variant Classification Scheme 2023. Collection method: clinical testing. Allele origin: germline.

Labcorp Genetics (formerly Invitae), Labcorp
Classification: Uncertain significance for Familial cancer of breast. Last evaluated: 2022-08-18. Review status: criteria provided, single submitter. Criteria: Invitae Variant Classification Sherloc (09022015). Collection method: clinical testing. Allele origin: germline.
Comment: Algorithms developed to predict the effect of sequence changes on RNA splicing suggest that this variant may create or strengthen a splice site. In summary, the available evidence is currently insufficient to determine the role of this variant in disease. Therefore, it has been classified as a Variant of Uncertain Significance. This variant is not present in population databases (gnomAD no frequency). This sequence change replaces serine, which is neutral and polar, with cysteine, which is neutral and slightly polar, at codon 500 of the CHEK2 protein (p.Ser500Cys). This variant has not been reported in the literature in individuals affected with CHEK2-related conditions. Algorithms developed to predict the effect of missense changes on protein structure and function (SIFT, PolyPhen-2, Align-GVGD) all suggest that this variant is likely to be tolerated.